The following is an entry in ClinVar:

ClinVar aggregate classification (germline): Uncertain significance. Review status: criteria provided, multiple submitters, no conflicts (2 of 4 stars). 6 submissions from 6 submitters: Uncertain significance (6). Last evaluated 2026-02-12.

Conditions:
MYBPC3-related disorder. Also called: MYBPC3-related condition; MYBPC3-related disease; MYBPC3-related disorders.
Hypertrophic cardiomyopathy. Also called: HYPERTROPHIC MYOCARDIOPATHY. Identifiers: Orphanet 217569, MedGen C0007194, MeSH D002312, MONDO:0005045, HP:0001639.
Cardiovascular phenotype. Identifiers: MedGen CN230736.
Cardiomyopathy (CMYO). Also called: Cardiomyopathies. Identifiers: Orphanet 167848, MedGen C0878544, MONDO:0004994, HP:0001638. Inheritance: Various modes of inheritance.

Allele frequency attached by ClinVar (database versions not stated): ExAC 0.00001; gnomAD 0.00001; gnomAD exomes 0.00001; TOPMed 0.00001.
gnomAD v4.1: 9 of 1,613,446 alleles (0.00056%); highest among the groups gnomAD compares: Admixed American, 0.0083%; no homozygotes.

Submissions (6):

PreventionGenetics, part of Exact Sciences
Classification: Uncertain significance for MYBPC3-related condition. Last evaluated: 2026-02-12. Review status: criteria provided, single submitter. Criteria: ACMG Guidelines, 2015. Collection method: clinical testing. Allele origin: germline.
Comment: The MYBPC3 c.2536G>A variant is predicted to result in the amino acid substitution p.Val846Ile. This variant has been reported as uncertain in an individual with hypertrophic cardiomyopathy who also had a truncating ALPK3 variant (Busse et al. 2024. PubMed ID: 39606411). This variant is reported in 0.0085% of alleles in individuals of Latino descent in gnomAD and is interpreted as uncertain in ClinVar (Variation ID: 520384). At this time, the clinical significance of this variant is uncertain due to the absence of conclusive functional and genetic evidence.

Color Diagnostics, LLC DBA Color Health
Classification: Uncertain significance for Cardiomyopathy. Last evaluated: 2025-10-14. Review status: criteria provided, single submitter. Criteria: ACMG Guidelines, 2015. Collection method: clinical testing. Allele origin: germline.
Comment: This missense variant replaces valine with isoleucine at codon 846 of the MYBPC3 protein. Computational prediction suggests that this variant may not impact protein structure and function. To our knowledge, functional studies have not been reported for this variant. This variant has not been reported in individuals affected with MYBPC3-related disorders in the literature. This variant has been identified in 9/1613446 chromosomes in the general population by the Genome Aggregation Database (gnomAD). The available evidence is insufficient to determine the role of this variant in disease conclusively. Therefore, this variant is classified as a Variant of Uncertain Significance.

Molecular Diagnostic Laboratory for Inherited Cardiovascular Disease, Montreal Heart Institute
Classification: Uncertain significance for Cardiovascular phenotype. Last evaluated: 2025-04-09. Review status: criteria provided, single submitter. Criteria: ACMG Guidelines, 2015. Collection method: clinical testing. Allele origin: germline. Affected: yes.

All of Us Research Program, National Institutes of Health
Classification: Uncertain significance for Hypertrophic cardiomyopathy. Last evaluated: 2024-04-10. Review status: criteria provided, single submitter. Criteria: ACMG Guidelines, 2015. Collection method: clinical testing. Allele origin: germline. Inheritance: Autosomal dominant inheritance. Observed: 5 variant alleles, 5 heterozygotes.
Comment: This missense variant replaces valine with isoleucine at codon 846 of the MYBPC3 protein. Computational prediction tool suggests that this variant may not impact protein structure and function (internally defined REVEL score threshold <=0.5, PMID: 27666373). Splice site prediction tools suggest that this variant may not impact RNA splicing. To our knowledge, functional studies have not been performed for this variant. This variant has not been reported in individuals affected with cardiovascular disorders in the literature. This variant has been identified in 4/279436 chromosomes in the general population by the Genome Aggregation Database (gnomAD). The available evidence is insufficient to determine the role of this variant in disease conclusively. Therefore, this variant is classified as a Variant of Uncertain Significance.

This study involves interpretation of variants in research participants for the purpose of population health screening. Participant phenotype was not available at the time of variant classification. Additional details can be found in publication PMID: 35346344, PMCID: PMC8962531

Labcorp Genetics (formerly Invitae), Labcorp
Classification: Uncertain significance for Hypertrophic cardiomyopathy. Last evaluated: 2023-06-29. Review status: criteria provided, single submitter. Criteria: Invitae Variant Classification Sherloc (09022015). Collection method: clinical testing. Allele origin: germline.
Comment: An algorithm developed to predict the effect of missense changes on protein structure and function (PolyPhen-2) suggests that this variant¬†is likely to be tolerated. In summary, the available evidence is currently insufficient to determine the role of this variant in disease. Therefore, it has been classified as a Variant of Uncertain Significance. ClinVar contains an entry for this variant (Variation ID: 520384). This variant has not been reported in the literature in individuals affected with MYBPC3-related conditions. This variant is present in population databases (rs747774791, gnomAD 0.01%). This sequence change replaces valine, which is neutral and non-polar, with isoleucine, which is neutral and non-polar, at codon 846 of the MYBPC3 protein (p.Val846Ile).

Ambry Genetics
Classification: Uncertain significance for Cardiovascular phenotype. Last evaluated: 2017-11-28. Review status: criteria provided, single submitter. Criteria: Ambry Variant Classification Scheme 2023. Collection method: clinical testing. Allele origin: germline.
Comment: The p.V846I variant (also known as c.2536G>A), located in coding exon 25 of the MYBPC3 gene, results from a G to A substitution at nucleotide position 2536. The valine at codon 846 is replaced by isoleucine, an amino acid with highly similar properties. This amino acid position is well conserved in available vertebrate species; however, isoleucine is the reference amino acid in other vertebrate species. In addition, this alteration is predicted to be tolerated by in silico analysis. Since supporting evidence is limited at this time, the clinical significance of this alteration remains unclear.

NM_000256.3(MYBPC3):c.2536G>A (p.Val846Ile)

Gene: MYBPC3 (myosin binding protein C3; minus strand). Cytogenetic location: 11p11.2.
Variant type: single nucleotide variant.
Coding change: c.2536G>A on transcript NM_000256.3 (MANE Select); coding-DNA position 2536, G replaced by A.
Protein change: p.Val846Ile; replaces valine 846 with isoleucine.
Molecular consequence: missense variant.
Genome position (GRCh38, 1-based): chr11:47,337,457, C>T on the plus strand (G>A on the coding strand, the complement: MYBPC3 is on the minus strand). VCF-style: chr11-47337457-C-T. GRCh37 (hg19) VCF-style: chr11-47359008-C-T.
Other names: c.2536G>A, p.Val846Ile (LRG_386t1); short protein forms V846I.
Identifiers: ClinVar variation 520384 (VCV000520384.16), dbSNP rs747774791, ClinGen allele CA078789.